The following is an entry in ClinVar:

NM_001365276.2(TNXB):c.9327C>A (p.His3109Gln)

Gene: TNXB (tenascin XB; minus strand). Cytogenetic location: 6p21.33.
Variant type: single nucleotide variant.
Coding change: c.9327C>A on transcript NM_001365276.2 (MANE Select); coding-DNA position 9327, C replaced by A.
Protein change: p.His3109Gln; replaces histidine 3109 with glutamine.
Molecular consequence: missense variant.
Genome position (GRCh38, 1-based): chr6:32,050,110, G>T on the plus strand (C>A on the coding strand, the complement: TNXB is on the minus strand). VCF-style: chr6-32050110-G-T. GRCh37 (hg19) VCF-style: chr6-32017887-G-T.
Other names: c.10068C>A, p.His3356Gln (NM_001428335.1); c.9321C>A, p.His3107Gln (NM_019105.8); short protein forms H3109Q, H3356Q, H3107Q.
Identifiers: ClinVar variation 3781026 (VCV003781026.1).

ClinVar aggregate classification (germline): Uncertain significance. Review status: criteria provided, multiple submitters, no conflicts (2 of 4 stars). 2 submissions from 2 submitters: Uncertain significance (2). Last evaluated 2025-02-04.

Conditions:
Cardiovascular phenotype. Identifiers: MedGen CN230736.

gnomAD v4.1: 20 of 1,613,580 alleles (0.0012%); highest among the groups gnomAD compares: Non-Finnish European, 0.0015%; no homozygotes.

Submissions (2):

Ambry Genetics
Classification: Uncertain significance for Cardiovascular phenotype. Last evaluated: 2025-02-04. Review status: criteria provided, single submitter. Criteria: Ambry Variant Classification Scheme 2023. Collection method: clinical testing. Allele origin: germline.
Comment: The p.H3107Q variant (also known as c.9321C>A), located in coding exon 26 of the TNXB gene, results from a C to A substitution at nucleotide position 9321. The histidine at codon 3107 is replaced by glutamine, an amino acid with highly similar properties. This amino acid position is conserved. In addition, this alteration is predicted to be tolerated by in silico analysis. Based on the available evidence, the clinical significance of this variant remains unclear.

GeneDx
Classification: Uncertain significance. Last evaluated: 2024-10-15. Review status: criteria provided, single submitter. Criteria: GeneDx Variant Classification Process June 2021. Collection method: clinical testing. Allele origin: germline. Affected: yes.
Comment: Not observed at significant frequency in large population cohorts (gnomAD); In silico analysis supports that this missense variant has a deleterious effect on protein structure/function; Has not been previously published as pathogenic or benign to our knowledge